The following is an entry in ClinVar:

NM_000090.4(COL3A1):c.3103G>T (p.Gly1035Cys)

Gene: COL3A1 (collagen type III alpha 1 chain; plus strand). Cytogenetic location: 2q32.2.
Variant type: single nucleotide variant.
Coding change: c.3103G>T on transcript NM_000090.4 (MANE Select); coding-DNA position 3103, G replaced by T.
Protein change: p.Gly1035Cys; replaces glycine 1035 with cysteine.
Molecular consequence: missense variant.
Genome position (GRCh38, 1-based): chr2:189,006,354, G>T. VCF-style: chr2-189006354-G-T. GRCh37 (hg19) VCF-style: chr2-189871080-G-T.
Identifiers: ClinVar variation 101467 (VCV000101467.13), dbSNP rs587779704, ClinGen allele CA006103.

ClinVar aggregate classification (germline): Likely pathogenic. Review status: criteria provided, multiple submitters, no conflicts (2 of 4 stars). 3 submissions from 3 submitters: Likely pathogenic (2). 1 of the submissions does not count toward it. Last evaluated 2019-01-01.

Conditions:
Familial aortopathy. Identifiers: MedGen CN078214.
Ehlers-Danlos syndrome, type 4 (EDSVASC). Also called: Ehlers-Danlos syndrome vascular type; Ehlers Danlos syndrome, ecchymotic type; Ehlers Danlos syndrome, arterial type; Ehlers Danlos syndrome, Sack-Barabas type; Ehlers-Danlos Syndrome Type IV. Identifiers: Orphanet 286, MedGen C0268338, MONDO:0017314, OMIM 130050.

Submissions (3):

Labcorp Genetics (formerly Invitae), Labcorp
Classification: Likely pathogenic for Ehlers-Danlos syndrome, type 4. Last evaluated: 2019-01-01. Review status: criteria provided, single submitter. Criteria: Invitae Variant Classification Sherloc (09022015). Collection method: clinical testing. Allele origin: germline.
Comment: In summary, the currently available evidence indicates that the variant is pathogenic, but additional data are needed to prove that conclusively. Therefore, this variant has been classified as Likely Pathogenic. This variant has been reported in an individual affected with Ehlers–Danlos syndrome (PMID: 10706896). This variant is also known as G868C in the literature. ClinVar contains an entry for this variant (Variation ID: 101467). This sequence change replaces glycine with cysteine at codon 1035 of the COL3A1 protein (p.Gly1035Cys). The glycine residue is moderately conserved and there is a large physicochemical difference between glycine and cysteine. This variant is not present in population databases (ExAC no frequency). Algorithms developed to predict the effect of missense changes on protein structure and function do not agree on the potential impact of this missense change (SIFT: "Deleterious"; PolyPhen-2: "Probably Damaging"; Align-GVGD: "Class C0"). Glycine residues within the Gly-Xaa-Yaa repeats of the triple helix domain are required for the structure and stability of fibrillar collagens (PMID: 7695699, 8218237, 19344236). In COL3A1, missense variants at these glycine residues are significantly enriched in individuals with disease (PMID: 24922459, 25758994) compared to the general population (ExAC).

Women's Health and Genetics/Laboratory Corporation of America, LabCorp
Classification: Likely pathogenic for Familial aortopathy. Last evaluated: 2017-11-06. Review status: criteria provided, single submitter. Criteria: LabCorp Variant Classification Summary - May 2015. Collection method: clinical testing. Allele origin: germline.
Comment: Variant summary: The COL3A1 c.3103G>T (p.Gly1035Cys) variant involves the alteration of a conserved nucleotide and a critical amino acid. 4/4 in silico tools predict a damaging outcome for this variant (SNPsandGO not captured due to low reliability index). This variant is absent in 246170 control chromosomes in gnomAD. This variant was reported in one ED patient and was associated with arterial complications (Pepin_2000). In addition, one clinical diagnostic laboratories classified this variant as pathogenic. Taken together, this variant is classified as likely pathogenic.

Collagen Diagnostic Laboratory, University of Washington
Classification: Pathogenic for Ehlers-Danlos syndrome, type 4. Review status: no assertion criteria provided. Collection method: clinical testing. Allele origin: germline. Affected: yes. Not counted in ClinVar's aggregate classification.

Literature cited by the submitters: PubMed 10706896 (cited by 3 submitters); PubMed 7695699 (cited by Labcorp Genetics (formerly Invitae), Labcorp); PubMed 8218237 (cited by Labcorp Genetics (formerly Invitae), Labcorp); PubMed 19344236 (cited by Labcorp Genetics (formerly Invitae), Labcorp); PubMed 24922459 (cited by Labcorp Genetics (formerly Invitae), Labcorp); PubMed 25758994 (cited by Labcorp Genetics (formerly Invitae), Labcorp).